The following is an entry in ClinVar:

NM_032242.4(PLXNA1):c.291G>C (p.Pro97=)

Gene: PLXNA1 (plexin A1; plus strand). Cytogenetic location: 3q21.3.
Variant type: single nucleotide variant.
Coding change: c.291G>C on transcript NM_032242.4 (MANE Select); coding-DNA position 291, G replaced by C.
Protein change: p.Pro97=; no amino-acid change (proline 97 retained).
Molecular consequence: synonymous variant.
Genome position (GRCh38, 1-based): chr3:126,988,884, G>C. VCF-style: chr3-126988884-G-C. GRCh37 (hg19) VCF-style: chr3-126707727-G-C.
Identifiers: ClinVar variation 4987135 (VCV004987135.1).

ClinVar aggregate classification (germline): Likely benign (1 of 4 stars; one submission).

Conditions:
PLXNA1-related disorder. Also called: PLXNA1-related condition.

Submission:

PreventionGenetics, part of Exact Sciences
Classification: Likely benign for PLXNA1-related condition. Last evaluated: 2026-08-05. Review status: criteria provided, single submitter. Criteria: ACMG Guidelines, 2015. Collection method: clinical testing. Allele origin: germline.
Comment: This variant is classified as likely benign based on ACMG/AMP sequence variant interpretation guidelines (Richards et al. 2015 PMID: 25741868, with internal and published modifications).